The following is an entry in ClinVar:

ClinVar aggregate classification (germline): Uncertain significance (1 of 4 stars; one submission).

Conditions:
ARID1B-Related Disorder. Identifiers: MedGen CN381337.

Allele frequency attached by ClinVar (database versions not stated): TOPMed below 0.00001; gnomAD 0.00001; gnomAD exomes 0.00001.
gnomAD v4.1: 16 of 1,614,120 alleles (0.00099%); highest among the groups gnomAD compares: East Asian, 0.0022%; no homozygotes.

Submission:

Illumina Laboratory Services, Illumina
Classification: Uncertain significance for ARID1B-related disorder. Last evaluated: 2021-09-09. Review status: criteria provided, single submitter. Criteria: ICSLVariantClassificationCriteria RUGD 01 April 2020. Collection method: clinical testing. Allele origin: unknown.
Comment: The ARID1B c.5951G>A (p.Arg1984Gln) variant is a missense variant. A literature search was performed for the gene, cDNA change, and amino acid change. No publications were found based on this search. This variant is reported at a frequency of 0.000018 in the European (non-Finnish) population of the Genome Aggregation Database (version 2.1.1), though this is based on two alleles in a region of good sequence coverage so the variant is presumed to be rare. Multiple lines of computational evidence suggest that is variant would have a deleterious impact on the gene, though this has not been confirmed experimentally. Based on the limited evidence, the p.Arg1984Gln variant is classified as a variant of uncertain significance for ARID1B-related disorders.

NM_001374828.1(ARID1B):c.6200G>A (p.Arg2067Gln)

Gene: ARID1B (AT-rich interaction domain 1B; plus strand). Cytogenetic location: 6q25.3.
Variant type: single nucleotide variant.
Coding change: c.6200G>A on transcript NM_001374828.1 (MANE Select); coding-DNA position 6200, G replaced by A.
Protein change: p.Arg2067Gln; replaces arginine 2067 with glutamine.
Molecular consequence: missense variant.
Genome position (GRCh38, 1-based): chr6:157,206,972, G>A. VCF-style: chr6-157206972-G-A. GRCh37 (hg19) VCF-style: chr6-157528106-G-A.
Other names: c.3701G>A, p.Arg1234Gln (NM_001363725.2); c.6080G>A, p.Arg2027Gln (NM_001371656.1, NM_001374820.1); c.6041G>A, p.Arg2014Gln (NM_017519.3); short protein forms R1234Q, R2014Q, R2027Q, R2067Q.
Identifiers: ClinVar variation 1328174 (VCV001328174.4), dbSNP rs917324402, ClinGen allele CA150379019.